The following is an entry in ClinVar:

NM_032608.7(MYO18B):c.7304G>A (p.Arg2435His)

Gene: MYO18B (myosin XVIIIB; plus strand). Cytogenetic location: 22q12.1.
Variant type: single nucleotide variant.
Coding change: c.7304G>A on transcript NM_032608.7 (MANE Select); coding-DNA position 7304, G replaced by A.
Protein change: p.Arg2435His; replaces arginine 2435 with histidine.
Molecular consequence: missense variant.
Genome position (GRCh38, 1-based): chr22:26,027,278, G>A. VCF-style: chr22-26027278-G-A. GRCh37 (hg19) VCF-style: chr22-26423244-G-A.
Other names: c.7307G>A, p.Arg2436His (NM_001318245.2); short protein forms R2435H, R2436H.
Identifiers: ClinVar variation 2577803 (VCV002577803.1), dbSNP rs764270244, ClinGen allele CA10161746.
Genomic context (GRCh38, chr22:26,027,278, plus strand): 5'-TGGAGGAACCTCTAGGCAGTGACCCATTCAGCTGGAAACTCCCAAGCCTCGACTACGAAC[G>A]CAAGACCAAAGTGGACTTCGATGACTTCCTCCCAGCTATCCGGAAGCCCCAGACACCTAC-3'
Protein context (NP_115997.5, residues 2425-2445): SWKLPSLDYE[Arg2435His]KTKVDFDDFL

ClinVar aggregate classification (germline): Uncertain significance (1 of 4 stars; one submission).

Allele frequency attached by ClinVar (database versions not stated): gnomAD exomes below 0.00001; ExAC 0.00001; gnomAD 0.00002; TOPMed 0.00002.
gnomAD v4.1: 6 of 1,613,896 alleles (0.00037%); highest among the groups gnomAD compares: Middle Eastern, 0.016%; no homozygotes.

Submission:

GeneDx
Classification: Uncertain significance. Last evaluated: 2023-02-24. Review status: criteria provided, single submitter. Criteria: GeneDx Variant Classification Process June 2021. Collection method: clinical testing. Allele origin: germline. Affected: yes.
Comment: In silico analysis supports that this missense variant does not alter protein structure/function; Has not been previously published as pathogenic or benign to our knowledge